The following is an entry in ClinVar:

ClinVar aggregate classification (germline): Likely benign (1 of 4 stars; one submission).

Conditions:
MPDZ-related disorder. Also called: MPDZ-related condition.

Submission:

PreventionGenetics, part of Exact Sciences
Classification: Likely benign for MPDZ-related condition. Last evaluated: 2025-11-03. Review status: criteria provided, single submitter. Criteria: ACMG Guidelines, 2015. Collection method: clinical testing. Allele origin: germline.
Comment: This variant is classified as likely benign based on ACMG/AMP sequence variant interpretation guidelines (Richards et al. 2015 PMID: 25741868, with internal and published modifications).

NM_001378778.1(MPDZ):c.1503A>G (p.Leu501=)

Gene: MPDZ (multiple PDZ domain crumbs cell polarity complex component; minus strand). Cytogenetic location: 9p23.
Variant type: single nucleotide variant.
Coding change: c.1503A>G on transcript NM_001378778.1 (MANE Select); coding-DNA position 1503, A replaced by G.
Protein change: p.Leu501=; no amino-acid change (leucine 501 retained).
Molecular consequence: synonymous variant.
Genome position (GRCh38, 1-based): chr9:13,205,079, T>C on the plus strand (A>G on the coding strand, the complement: MPDZ is on the minus strand). VCF-style: chr9-13205079-T-C. GRCh37 (hg19) VCF-style: chr9-13205078-T-C.
Other names: c.1503A>G, p.Leu501= (NM_001261406.2, NM_001261407.2, NM_001330637.2 and 14 more transcripts).
Identifiers: ClinVar variation 4982312 (VCV004982312.1).